The following is an entry in ClinVar:

ClinVar aggregate classification (germline): Uncertain significance. Review status: criteria provided, multiple submitters, no conflicts (2 of 4 stars). 2 submissions from 2 submitters: Uncertain significance (2). Last evaluated 2025-09-25.

Conditions:
Cardiovascular phenotype. Identifiers: MedGen CN230736.
RASopathy. Also called: Noonan spectrum disorder; rasopathies. Identifiers: Orphanet 536391, MedGen C5555857, MONDO:0021060.

Submissions (2):

Ambry Genetics
Classification: Uncertain significance for Cardiovascular phenotype. Last evaluated: 2025-09-25. Review status: criteria provided, single submitter. Criteria: Ambry Variant Classification Scheme 2023. Collection method: clinical testing. Allele origin: germline.

Labcorp Genetics (formerly Invitae), Labcorp
Classification: Uncertain significance for RASopathy. Last evaluated: 2022-11-12. Review status: criteria provided, single submitter. Criteria: Invitae Variant Classification Sherloc (09022015). Collection method: clinical testing. Allele origin: germline.
Comment: This sequence change replaces isoleucine, which is neutral and non-polar, with valine, which is neutral and non-polar, at codon 784 of the SOS1 protein (p.Ile784Val). This variant is not present in population databases (gnomAD no frequency). This variant has not been reported in the literature in individuals affected with SOS1-related conditions. Algorithms developed to predict the effect of missense changes on protein structure and function (SIFT, PolyPhen-2, Align-GVGD) all suggest that this variant is likely to be tolerated. In summary, the available evidence is currently insufficient to determine the role of this variant in disease. Therefore, it has been classified as a Variant of Uncertain Significance.

NM_005633.4(SOS1):c.2350A>G (p.Ile784Val)

Gene: SOS1 (SOS Ras/Rac guanine nucleotide exchange factor 1; minus strand). Cytogenetic location: 2p22.1.
Variant type: single nucleotide variant.
Coding change: c.2350A>G on transcript NM_005633.4 (MANE Select); coding-DNA position 2350, A replaced by G.
Protein change: p.Ile784Val; replaces isoleucine 784 with valine.
Molecular consequence: missense variant.
Genome position (GRCh38, 1-based): chr2:39,012,166, T>C on the plus strand (A>G on the coding strand, the complement: SOS1 is on the minus strand). VCF-style: chr2-39012166-T-C. GRCh37 (hg19) VCF-style: chr2-39239307-T-C.
Other names: c.2329A>G, p.Ile777Val (NM_001382394.1); c.2350A>G, p.Ile784Val (NM_001382395.1); short protein forms I777V, I784V.
Identifiers: ClinVar variation 2813710 (VCV002813710.4), dbSNP rs2528992303, ClinGen allele CA346364072.
Genomic context (GRCh38, chr2:39,012,166, plus strand): 5'-TTGAATGTTAAATTACATACCGGTATAGATCTGATTCAAGTAAAGTGAGTTGTCGAGCAA[T>C]TTCTATTGGGTGTAAGGTGAGCAGGTCAAAAGTCTCTATGTGCCCAGGTCTGCTTATATG-3'
Protein context (NP_005624.2, residues 774-794): FDLLTLHPIE[Ile784Val]ARQLTLLESD